The following is an entry in ClinVar:

ClinVar aggregate classification (germline): Uncertain significance (1 of 4 stars; one submission).

Conditions:
Inborn genetic diseases. Identifiers: MedGen C0950123, MeSH D030342.

Submission:

Ambry Genetics
Classification: Uncertain significance for Inborn genetic diseases. Last evaluated: 2026-06-08. Review status: criteria provided, single submitter. Criteria: Ambry Variant Classification Scheme 2023. Collection method: clinical testing. Allele origin: germline.
Comment: The p.R1579G variant (also known as c.4735A>G), located in coding exon 32 of the ANKRD26 gene, results from an A to G substitution at nucleotide position 4735. The arginine at codon 1579 is replaced by glycine, an amino acid with dissimilar properties. This amino acid position is conserved. In addition, this alteration is predicted to be tolerated by in silico analysis. Based on the available evidence, the clinical significance of this variant remains unclear.

NM_014915.3(ANKRD26):c.4735A>G (p.Arg1579Gly)

Gene: ANKRD26 (ankyrin repeat domain 26; minus strand). Cytogenetic location: 10p12.1.
Variant type: single nucleotide variant.
Coding change: c.4735A>G on transcript NM_014915.3 (MANE Select); coding-DNA position 4735, A replaced by G.
Protein change: p.Arg1579Gly; replaces arginine 1579 with glycine.
Molecular consequence: missense variant.
Genome position (GRCh38, 1-based): chr10:27,013,100, T>C on the plus strand (A>G on the coding strand, the complement: ANKRD26 is on the minus strand). VCF-style: chr10-27013100-T-C. GRCh37 (hg19) VCF-style: chr10-27302029-T-C.
Other names: c.4732A>G, p.Arg1578Gly (NM_001256053.2); short protein forms R1578G, R1579G.
Identifiers: ClinVar variation 4860000 (VCV004860000.1).